The following is an entry in ClinVar:

NM_030943.4(AMN):c.43+15C>T

Gene: AMN (amnion associated transmembrane protein; plus strand). Cytogenetic location: 14q32.32.
Variant type: single nucleotide variant.
Coding change: c.43+15C>T on transcript NM_030943.4 (MANE Select); 15 bases into the intron after coding-DNA position 43, C replaced by T.
Molecular consequence: intron variant.
Genome position (GRCh38, 1-based): chr14:102,922,746, C>T. VCF-style: chr14-102922746-C-T. GRCh37 (hg19) VCF-style: chr14-103389083-C-T.
Other names: p.?; c.-124C>T (NM_001425246.1); c.43+15C>T (NM_030943.3).
Identifiers: ClinVar variation 2994668 (VCV002994668.4), dbSNP rs1224283035, ClinGen allele CA616397854.

ClinVar aggregate classification (germline): Likely benign. Review status: criteria provided, multiple submitters, no conflicts (2 of 4 stars). 2 submissions from 2 submitters: Likely benign (2). Last evaluated 2025-06-26.

Conditions:
Imerslund-Grasbeck syndrome. Also called: Imerslund-Gräsbeck syndrome; Megaloblastic anemia due to inborn errors of metabolism; ENTEROCYTE COBALAMIN MALABSORPTION; ENTEROCYTE INTRINSIC FACTOR RECEPTOR, DEFECT OF; PERNICIOUS ANEMIA, JUVENILE, DUE TO SELECTIVE INTESTINAL MALABSORPTION OF VITAMIN B12, WITH PROTEINURIA. Identifiers: Orphanet 35858, MedGen C4551825, MONDO:0009853.

Allele frequency attached by ClinVar (database versions not stated): gnomAD exomes below 0.00001.
gnomAD v4.1: 4 of 1,578,844 alleles (0.00025%); highest among the groups gnomAD compares: Admixed American, 0.0018%; no homozygotes.

Submissions (2):

Mayo Clinic Laboratories, Mayo Clinic
Classification: Likely benign. Last evaluated: 2025-06-26. Review status: criteria provided, single submitter. Criteria: ACMG Guidelines, 2015. Collection method: clinical testing. Allele origin: germline. Observed: 1 variant allele.
Comment: BP4, BP7

Labcorp Genetics (formerly Invitae), Labcorp
Classification: Likely benign for Imerslund-Grasbeck syndrome. Last evaluated: 2023-09-26. Review status: criteria provided, single submitter. Criteria: Invitae Variant Classification Sherloc (09022015). Collection method: clinical testing. Allele origin: germline.